The following is an entry in ClinVar:

ClinVar aggregate classification (germline): Likely benign (0 of 4 stars; one submission).

Conditions:
SHROOM2-related disorder. Also called: SHROOM2-related condition.

Allele frequency attached by ClinVar (database versions not stated): ExAC 0.00054; ESP Exome Variant Server 0.00104; TOPMed 0.00112; 1000 Genomes Project 30x 0.00125; 1000 Genomes Project 0.00132.
gnomAD v4.1: 259 of 1,203,925 alleles (0.022%); highest among the groups gnomAD compares: African/African-American, 0.36%; no homozygotes.

Submission:

PreventionGenetics, part of Exact Sciences
Classification: Likely benign for SHROOM2-related condition. Last evaluated: 2019-05-21. Review status: no assertion criteria provided. Collection method: clinical testing. Allele origin: germline.
Comment: This variant is classified as likely benign based on ACMG/AMP sequence variant interpretation guidelines (Richards et al. 2015 PMID: 25741868, with internal and published modifications).

NM_001649.4(SHROOM2):c.4662C>T (p.Arg1554=)

Gene: SHROOM2 (shroom family member 2; plus strand). Cytogenetic location: Xp22.2.
Variant type: single nucleotide variant.
Coding change: c.4662C>T on transcript NM_001649.4 (MANE Select); coding-DNA position 4662, C replaced by T.
Protein change: p.Arg1554=; no amino-acid change (arginine 1554 retained).
Molecular consequence: synonymous variant.
Genome position (GRCh38, 1-based): chrX:9,946,748, C>T. VCF-style: chrX-9946748-C-T. GRCh37 (hg19) VCF-style: chrX-9914788-C-T.
Other names: c.1167C>T, p.Arg389= (NM_001320663.2); c.1164C>T, p.Arg388= (NM_001320664.2).
Identifiers: ClinVar variation 3038819 (VCV003038819.2), dbSNP rs140718348, ClinGen allele CA10346011.
Genomic context (GRCh38, chrX:9,946,748, plus strand): 5'-GCAGAGAGTCCTGATCCAGCAGCACGAGGACGCCAAGGAGCTCAAGGAGAACCTGGACCG[C>T]CGCGAGCGCATCGTCTTTGACATTTTGGCCAACTATCTGAGCGAGGAGAGCCTCGCGGAC-3'
Protein context (NP_001640.1, residues 1544-1564): DAKELKENLD[Arg1554=]RERIVFDILA